The following is an entry in ClinVar:

ClinVar aggregate classification (germline): Uncertain significance (1 of 4 stars; one submission).

Allele frequency attached by ClinVar (database versions not stated): gnomAD exomes below 0.00001.
gnomAD v4.1: 3 of 1,613,372 alleles (0.00019%); highest among the groups gnomAD compares: African/African-American, 0.0013%; no homozygotes.

Submission:

Labcorp Genetics (formerly Invitae), Labcorp
Classification: Uncertain significance. Last evaluated: 2023-04-07. Review status: criteria provided, single submitter. Criteria: Invitae Variant Classification Sherloc (09022015). Collection method: clinical testing. Allele origin: germline.
Comment: This sequence change replaces alanine, which is neutral and non-polar, with glutamic acid, which is acidic and polar, at codon 355 of the MICAL1 protein (p.Ala355Glu). This variant is not present in population databases (gnomAD no frequency). This variant has not been reported in the literature in individuals affected with MICAL1-related conditions. Algorithms developed to predict the effect of missense changes on protein structure and function output the following: SIFT: "Not Available"; PolyPhen-2: "Benign"; Align-GVGD: "Not Available". The glutamic acid amino acid residue is found in multiple mammalian species, which suggests that this missense change does not adversely affect protein function. In summary, the available evidence is currently insufficient to determine the role of this variant in disease. Therefore, it has been classified as a Variant of Uncertain Significance.

NM_022765.4(MICAL1):c.1007C>A (p.Ala336Glu)

Gene: MICAL1 (microtubule associated monooxygenase, calponin and LIM domain containing 1; minus strand). Cytogenetic location: 6q21.
Variant type: single nucleotide variant.
Coding change: c.1007C>A on transcript NM_022765.4 (MANE Select); coding-DNA position 1007, C replaced by A.
Protein change: p.Ala336Glu; replaces alanine 336 with glutamic acid.
Molecular consequence: missense variant. On other transcripts: intron variant (1).
Genome position (GRCh38, 1-based): chr6:109,450,484, G>T on the plus strand (C>A on the coding strand, the complement: MICAL1 is on the minus strand). VCF-style: chr6-109450484-G-T. GRCh37 (hg19) VCF-style: chr6-109771687-G-T.
Other names: c.1064C>A, p.Ala355Glu (NM_001286613.2); c.934-399C>A (NM_001159291.2); short protein forms A336E, A355E.
Identifiers: ClinVar variation 2853367 (VCV002853367.3), dbSNP rs2482801130, ClinGen allele CA365231382.